The following is an entry in ClinVar:

ClinVar aggregate classification (germline): Uncertain significance. Review status: criteria provided, multiple submitters, no conflicts (2 of 4 stars). 2 submissions from 2 submitters: Uncertain significance (2). Last evaluated 2025-08-09.

Conditions:
Inborn genetic diseases. Identifiers: MedGen C0950123, MeSH D030342.
Basal ganglia calcification, idiopathic, 4 (PFBC4). Also called: Familial Idiopathic Basal Ganglia Calcification 4; PRIMARY FAMILIAL BRAIN CALCIFICATION 4, AUTOSOMAL DOMINANT. Identifiers: Orphanet 1980, MedGen C3554321, MONDO:0014004, OMIM 615007.
Acroosteolysis-keloid-like lesions-premature aging syndrome. Also called: Premature aging syndrome, Penttinen type; Prematurely aged appearance, delayed bone maturation, acro-osteolysis, and brachydactyly; Progeroid syndrome, Penttinen type. Identifiers: Orphanet 363665, MedGen C1866182, MONDO:0011150, OMIM 601812.
Infantile myofibromatosis (IMF). Also called: Congenital generalized fibromatosis. Identifiers: Orphanet 2591, MedGen C0432284, MONDO:0016824.
Skeletal overgrowth-craniofacial dysmorphism-hyperelastic skin-white matter lesions syndrome. Also called: SKELETAL OVERGROWTH WITH FACIAL DYSMORPHISM, HYPERELASTIC SKIN, WHITE MATTER LESIONS, AND NEUROLOGIC DETERIORATION; Kosaki overgrowth syndrome. Identifiers: Orphanet 477831, MedGen C4225270, MONDO:0014704, OMIM 616592.

Allele frequency attached by ClinVar (database versions not stated): ExAC 0.00002; gnomAD exomes 0.00004; gnomAD 0.00001; TOPMed 0.00002; ESP Exome Variant Server 0.00008.
gnomAD v4.1: 61 of 1,613,908 alleles (0.0038%); highest among the groups gnomAD compares: Non-Finnish European, 0.0048%; no homozygotes.

Submissions (2):

Ambry Genetics
Classification: Uncertain significance for Inborn genetic diseases. Last evaluated: 2025-08-09. Review status: criteria provided, single submitter. Criteria: Ambry Variant Classification Scheme 2023. Collection method: clinical testing. Allele origin: germline.

Labcorp Genetics (formerly Invitae), Labcorp
Classification: Uncertain significance for Basal ganglia calcification, idiopathic, 4; Skeletal overgrowth-craniofacial dysmorphism-hyperelastic skin-white matter lesions syndrome; Infantile myofibromatosis; Acroosteolysis-keloid-like lesions-premature aging syndrome. Last evaluated: 2021-11-10. Review status: criteria provided, single submitter. Criteria: Invitae Variant Classification Sherloc (09022015). Collection method: clinical testing. Allele origin: germline.
Comment: This variant has not been reported in the literature in individuals affected with PDGFRB-related conditions. This variant is present in population databases (rs370817438, gnomAD 0.002%). This sequence change replaces valine, which is neutral and non-polar, with isoleucine, which is neutral and non-polar, at codon 216 of the PDGFRB protein (p.Val216Ile). In summary, the available evidence is currently insufficient to determine the role of this variant in disease. Therefore, it has been classified as a Variant of Uncertain Significance. Advanced modeling of protein sequence and biophysical properties (such as structural, functional, and spatial information, amino acid conservation, physicochemical variation, residue mobility, and thermodynamic stability) performed at Invitae indicates that this missense variant is not expected to disrupt PDGFRB protein function.

NM_002609.4(PDGFRB):c.646G>A (p.Val216Ile)

Gene: PDGFRB (platelet derived growth factor receptor beta; minus strand). Cytogenetic location: 5q32.
Variant type: single nucleotide variant.
Coding change: c.646G>A on transcript NM_002609.4 (MANE Select); coding-DNA position 646, G replaced by A.
Protein change: p.Val216Ile; replaces valine 216 with isoleucine.
Molecular consequence: missense variant.
Genome position (GRCh38, 1-based): chr5:150,133,994, C>T on the plus strand (G>A on the coding strand, the complement: PDGFRB is on the minus strand). VCF-style: chr5-150133994-C-T. GRCh37 (hg19) VCF-style: chr5-149513557-C-T.
Other names: c.454G>A, p.Val152Ile (NM_001355016.2); c.163G>A, p.Val55Ile (NM_001355017.2); c.646G>A (NM_002609.3); short protein forms V55I, V216I, V152I.
Identifiers: ClinVar variation 1511780 (VCV001511780.7), dbSNP rs370817438, ClinGen allele CA3508244.